The following is an entry in ClinVar:

ClinVar aggregate classification (germline): Uncertain significance (1 of 4 stars; one submission).

Conditions:
Long QT syndrome (LQTS). Identifiers: MedGen C0023976, MeSH D008133, MONDO:0002442. Disease mechanism: loss of function. Inheritance: Various modes of inheritance.

Submission:

Labcorp Genetics (formerly Invitae), Labcorp
Classification: Uncertain significance for Long QT syndrome. Last evaluated: 2024-09-30. Review status: criteria provided, single submitter. Criteria: Invitae Variant Classification Sherloc (09022015). Collection method: clinical testing. Allele origin: germline.
Comment: This sequence change replaces glycine, which is neutral and non-polar, with valine, which is neutral and non-polar, at codon 81 of the CAV3 protein (p.Gly81Val). This variant is not present in population databases (gnomAD no frequency). This variant has not been reported in the literature in individuals affected with CAV3-related conditions. An algorithm developed to predict the effect of missense changes on protein structure and function (PolyPhen-2) suggests that this variant is likely to be disruptive. In summary, the available evidence is currently insufficient to determine the role of this variant in disease. Therefore, it has been classified as a Variant of Uncertain Significance.

NM_033337.3(CAV3):c.242G>T (p.Gly81Val)

Genes: CAV3 (caveolin 3; plus strand), OXTR (oxytocin receptor; minus strand). Cytogenetic location: 3p25.3.
Variant type: single nucleotide variant.
Coding change: c.242G>T on transcript NM_033337.3 (MANE Select); coding-DNA position 242, G replaced by T.
Protein change: p.Gly81Val; replaces glycine 81 with valine.
Molecular consequence: missense variant.
Genome position (GRCh38, 1-based): chr3:8,745,653, G>T. VCF-style: chr3-8745653-G-T. GRCh37 (hg19) VCF-style: chr3-8787339-G-T.
Other names: c.242G>T, p.Gly81Val (NM_001234.5); short protein forms G81V.
Identifiers: ClinVar variation 3694058 (VCV003694058.2).